The following is an entry in ClinVar:

NM_001130438.3(SPTAN1):c.5644G>A (p.Ala1882Thr)

Gene: SPTAN1 (spectrin alpha, non-erythrocytic 1; plus strand). Cytogenetic location: 9q34.11.
Variant type: single nucleotide variant.
Coding change: c.5644G>A on transcript NM_001130438.3 (MANE Select); coding-DNA position 5644, G replaced by A.
Protein change: p.Ala1882Thr; replaces alanine 1882 with threonine.
Molecular consequence: missense variant.
Genome position (GRCh38, 1-based): chr9:128,618,914, G>A. VCF-style: chr9-128618914-G-A. GRCh37 (hg19) VCF-style: chr9-131381193-G-A.
Other names: c.5569G>A, p.Ala1857Thr (NM_001195532.2); c.5644G>A, p.Ala1882Thr (NM_001363759.2, NM_001375310.1, NM_001375311.2 and 1 more transcripts); c.5584G>A, p.Ala1862Thr (NM_001363765.2, NM_001375314.2); c.5680G>A, p.Ala1894Thr (NM_001375312.2, NM_001375318.1); c.5629G>A, p.Ala1877Thr (NM_003127.4); short protein forms A1862T, A1877T, A1882T, A1857T, A1894T.
Identifiers: ClinVar variation 3635925 (VCV003635925.2).

ClinVar aggregate classification (germline): Uncertain significance (1 of 4 stars; one submission).

Conditions:
Early-infantile DEE. Also called: Early infantile epileptic encephalopathy; Ohtahara syndrome; Early infantile epileptic encephalopathy with suppression bursts. Identifiers: Orphanet 1934, MedGen C0393706, MONDO:0800491.

Submission:

Labcorp Genetics (formerly Invitae), Labcorp
Classification: Uncertain significance for Early-infantile DEE. Last evaluated: 2024-10-24. Review status: criteria provided, single submitter. Criteria: Invitae Variant Classification Sherloc (09022015). Collection method: clinical testing. Allele origin: germline.
Comment: This sequence change replaces alanine, which is neutral and non-polar, with threonine, which is neutral and polar, at codon 1882 of the SPTAN1 protein (p.Ala1882Thr). This variant is not present in population databases (gnomAD no frequency). This variant has not been reported in the literature in individuals affected with SPTAN1-related conditions. Invitae Evidence Modeling of protein sequence and biophysical properties (such as structural, functional, and spatial information, amino acid conservation, physicochemical variation, residue mobility, and thermodynamic stability) has been performed for this missense variant. However, the output from this modeling did not meet the statistical confidence thresholds required to predict the impact of this variant on SPTAN1 protein function. In summary, the available evidence is currently insufficient to determine the role of this variant in disease. Therefore, it has been classified as a Variant of Uncertain Significance.